The following is an entry in ClinVar:

NM_001080414.4(CCDC88C):c.4889G>A (p.Arg1630His)

Gene: CCDC88C (coiled-coil and HOOK domain protein 88C; minus strand). Cytogenetic location: 14q32.11.
Variant type: single nucleotide variant.
Coding change: c.4889G>A on transcript NM_001080414.4 (MANE Select); coding-DNA position 4889, G replaced by A.
Protein change: p.Arg1630His; replaces arginine 1630 with histidine.
Molecular consequence: missense variant.
Genome position (GRCh38, 1-based): chr14:91,278,091, C>T on the plus strand (G>A on the coding strand, the complement: CCDC88C is on the minus strand). VCF-style: chr14-91278091-C-T. GRCh37 (hg19) VCF-style: chr14-91744435-C-T.
Other names: short protein forms R1630H.
Identifiers: ClinVar variation 447022 (VCV000447022.11), dbSNP rs115510695, ClinGen allele CA7308804.

ClinVar aggregate classification (germline): Benign/Likely benign. Review status: criteria provided, multiple submitters, no conflicts (2 of 4 stars). 3 submissions from 3 submitters: Benign (2); Likely benign (1). Last evaluated 2026-02-04.

Allele frequency attached by ClinVar (database versions not stated): gnomAD exomes 0.00087; ExAC 0.00150; ESP Exome Variant Server 0.00347; gnomAD 0.00383; 1000 Genomes Project 0.00419; TOPMed 0.00445; 1000 Genomes Project 30x 0.00515.
gnomAD v4.1: 1,186 of 1,612,316 alleles (0.074%); highest among the groups gnomAD compares: African/African-American, 1.5%; 9 homozygotes.

Submissions (3):

Labcorp Genetics (formerly Invitae), Labcorp
Classification: Benign. Last evaluated: 2026-02-04. Review status: criteria provided, single submitter. Criteria: Invitae Variant Classification Sherloc (09022015). Collection method: clinical testing. Allele origin: germline.

Mayo Clinic Laboratories, Mayo Clinic
Classification: Benign. Last evaluated: 2025-01-06. Review status: criteria provided, single submitter. Criteria: ACMG Guidelines, 2015. Collection method: clinical testing. Allele origin: germline. Observed: 1 variant allele.
Comment: BS1, BS2, BP4_moderate

Athena Diagnostics
Classification: Likely benign. Last evaluated: 2017-03-30. Review status: criteria provided, single submitter. Criteria: Athena Diagnostics Criteria. Collection method: clinical testing. Allele origin: germline.